The following is an entry in ClinVar:

ClinVar aggregate classification (germline): Uncertain significance (1 of 4 stars; one submission).

Submission:

GeneDx
Classification: Uncertain significance. Last evaluated: 2025-03-17. Review status: criteria provided, single submitter. Criteria: GeneDx Variant Classification Process June 2021. Collection method: clinical testing. Allele origin: germline. Affected: yes.
Comment: Not observed at significant frequency in large population cohorts (gnomAD); In silico analysis indicates that this missense variant does not alter protein structure/function; Has not been previously published as pathogenic or benign to our knowledge.

NM_006939.4(SOS2):c.598T>C (p.Tyr200His)

Gene: SOS2 (SOS Ras/Rho guanine nucleotide exchange factor 2; minus strand). Cytogenetic location: 14q21.3.
Variant type: single nucleotide variant.
Coding change: c.598T>C on transcript NM_006939.4 (MANE Select); coding-DNA position 598, T replaced by C.
Protein change: p.Tyr200His; replaces tyrosine 200 with histidine.
Molecular consequence: missense variant.
Genome position (GRCh38, 1-based): chr14:50,188,613, A>G on the plus strand (T>C on the coding strand, the complement: SOS2 is on the minus strand). VCF-style: chr14-50188613-A-G. GRCh37 (hg19) VCF-style: chr14-50655331-A-G.
Other names: c.598T>C, p.Tyr200His (NM_001411020.1); short protein forms Y200H.
Identifiers: ClinVar variation 4086710 (VCV004086710.1).